The following is an entry in ClinVar:

ClinVar aggregate classification (germline): Uncertain significance (1 of 4 stars; one submission).

Conditions:
RASopathy. Also called: Noonan spectrum disorder; rasopathies. Identifiers: Orphanet 536391, MedGen C5555857, MONDO:0021060.

Allele frequency attached by ClinVar (database versions not stated): gnomAD exomes below 0.00001.

Submission:

Labcorp Genetics (formerly Invitae), Labcorp
Classification: Uncertain significance for RASopathy. Last evaluated: 2022-07-19. Review status: criteria provided, single submitter. Criteria: Invitae Variant Classification Sherloc (09022015). Collection method: clinical testing. Allele origin: germline.
Comment: Advanced modeling of protein sequence and biophysical properties (such as structural, functional, and spatial information, amino acid conservation, physicochemical variation, residue mobility, and thermodynamic stability) performed at Invitae indicates that this missense variant is not expected to disrupt CBL protein function. In summary, the available evidence is currently insufficient to determine the role of this variant in disease. Therefore, it has been classified as a Variant of Uncertain Significance. ClinVar contains an entry for this variant (Variation ID: 1409329). This variant has not been reported in the literature in individuals affected with CBL-related conditions. This variant is not present in population databases (gnomAD no frequency). This sequence change replaces alanine, which is neutral and non-polar, with threonine, which is neutral and polar, at codon 32 of the CBL protein (p.Ala32Thr).

NM_005188.4(CBL):c.94G>A (p.Ala32Thr)

Genes: CBL (Cbl proto-oncogene; plus strand), LOC130006895 (ATAC-STARR-seq lymphoblastoid silent region 3975; plus strand). Cytogenetic location: 11q23.3.
Variant type: single nucleotide variant.
Coding change: c.94G>A on transcript NM_005188.4 (MANE Select); coding-DNA position 94, G replaced by A.
Protein change: p.Ala32Thr; replaces alanine 32 with threonine.
Molecular consequence: missense variant.
Genome position (GRCh38, 1-based): chr11:119,206,511, G>A. VCF-style: chr11-119206511-G-A. GRCh37 (hg19) VCF-style: chr11-119077221-G-A.
Other names: short protein forms A32T.
Identifiers: ClinVar variation 1409329 (VCV001409329.6), dbSNP rs2135244138, ClinGen allele CA382976086.